The following is an entry in ClinVar:

NM_001142864.4(PIEZO1):c.4623C>T (p.Asp1541=)

Gene: PIEZO1 (piezo type mechanosensitive ion channel component 1 (Er blood group); minus strand). Cytogenetic location: 16q24.3.
Variant type: single nucleotide variant.
Coding change: c.4623C>T on transcript NM_001142864.4 (MANE Select); coding-DNA position 4623, C replaced by T.
Protein change: p.Asp1541=; no amino-acid change (aspartic acid 1541 retained).
Molecular consequence: synonymous variant.
Genome position (GRCh38, 1-based): chr16:88,722,882, G>A on the plus strand (C>T on the coding strand, the complement: PIEZO1 is on the minus strand). VCF-style: chr16-88722882-G-A. GRCh37 (hg19) VCF-style: chr16-88789290-G-A.
Other names: p.Asp1541=.
Identifiers: ClinVar variation 4684138 (VCV004684138.1).

ClinVar aggregate classification (germline): Likely benign (1 of 4 stars; one submission).

gnomAD v4.1: 27 of 1,548,578 alleles (0.0017%); highest among the groups gnomAD compares: African/African-American, 0.0041%; no homozygotes.

Submission:

Mayo Clinic Laboratories, Mayo Clinic
Classification: Likely benign. Last evaluated: 2025-09-30. Review status: criteria provided, single submitter. Criteria: ACMG Guidelines, 2015. Collection method: clinical testing. Allele origin: germline. Observed: 1 variant allele.
Comment: BP4, BP7